The following is an entry in ClinVar:

ClinVar aggregate classification (germline): Likely benign. Review status: criteria provided, multiple submitters, no conflicts (2 of 4 stars). 3 submissions from 3 submitters: Likely benign (2). 1 of the submissions does not count toward it. Last evaluated 2025-03-31.

Conditions:
DES-related disorder. Also called: DES-related condition.
Cardiovascular phenotype. Identifiers: MedGen CN230736.
Desmin-related myofibrillar myopathy (MFM1). Also called: MYOFIBRILLAR MYOPATHY WITH ARRHYTHMOGENIC RIGHT VENTRICULAR CARDIOMYOPATHY; DESMIN-RELATED MYOPATHY WITH ARRHYTHMOGENIC RIGHT VENTRICULAR CARDIOMYOPATHY; Myofibrillar myopathy 1; Desminopathy; Desmin related myopathy (former name); Desmin storage myopathy (former name). Identifiers: Orphanet 363543, Orphanet 98909, MedGen C1832370, MONDO:0011076, OMIM 601419.

Allele frequency attached by ClinVar (database versions not stated): gnomAD 0.00002; TOPMed 0.00002; gnomAD exomes 0.00003.

Submissions (3):

Labcorp Genetics (formerly Invitae), Labcorp
Classification: Likely benign for Desmin-related myofibrillar myopathy. Last evaluated: 2025-03-31. Review status: criteria provided, single submitter. Criteria: Invitae Variant Classification Sherloc (09022015). Collection method: clinical testing. Allele origin: germline.

Ambry Genetics
Classification: Likely benign for Cardiovascular phenotype. Last evaluated: 2023-11-17. Review status: criteria provided, single submitter. Criteria: Ambry Variant Classification Scheme 2023. Collection method: clinical testing. Allele origin: germline.

PreventionGenetics, part of Exact Sciences
Classification: Likely benign for DES-related condition. Last evaluated: 2023-09-27. Review status: no assertion criteria provided. Collection method: clinical testing. Allele origin: germline. Not counted in ClinVar's aggregate classification.
Comment: This variant is classified as likely benign based on ACMG/AMP sequence variant interpretation guidelines (Richards et al. 2015 PMID: 25741868, with internal and published modifications).

NM_001927.4(DES):c.489G>A (p.Arg163=)

Gene: DES (desmin; plus strand). Cytogenetic location: 2q35.
Variant type: single nucleotide variant.
Coding change: c.489G>A on transcript NM_001927.4 (MANE Select); coding-DNA position 489, G replaced by A.
Protein change: p.Arg163=; no amino-acid change (arginine 163 retained).
Molecular consequence: synonymous variant.
Genome position (GRCh38, 1-based): chr2:219,418,951, G>A. VCF-style: chr2-219418951-G-A. GRCh37 (hg19) VCF-style: chr2-220283673-G-A.
Identifiers: ClinVar variation 700187 (VCV000700187.12), dbSNP rs1448975712, ClinGen allele CA431427890.